The following is an entry in ClinVar:

NM_013275.6(ANKRD11):c.4149C>T (p.Gly1383=)

Gene: ANKRD11 (ankyrin repeat domain 11; minus strand). Cytogenetic location: 16q24.3.
Variant type: single nucleotide variant.
Coding change: c.4149C>T on transcript NM_013275.6 (MANE Select); coding-DNA position 4149, C replaced by T.
Protein change: p.Gly1383=; no amino-acid change (glycine 1383 retained).
Molecular consequence: synonymous variant.
Genome position (GRCh38, 1-based): chr16:89,282,393, G>A on the plus strand (C>T on the coding strand, the complement: ANKRD11 is on the minus strand). VCF-style: chr16-89282393-G-A. GRCh37 (hg19) VCF-style: chr16-89348801-G-A.
Other names: c.4149C>T, p.Gly1383= (NM_001256182.2, NM_001256183.2).
Identifiers: ClinVar variation 588480 (VCV000588480.53), dbSNP rs146025366, ClinGen allele CA8242200.

ClinVar aggregate classification (germline): Benign/Likely benign. Review status: criteria provided, multiple submitters, no conflicts (2 of 4 stars). 9 submissions from 9 submitters: Benign (5); Likely benign (3). 1 of the submissions does not count toward it. Last evaluated 2026-09-01.

Conditions:
ANKRD11-related disorder. Also called: ANKRD11-related condition.
Inborn genetic diseases. Identifiers: MedGen C0950123, MeSH D030342.
KBG syndrome (KBGS). Also called: ANKRD11-Related KBG Syndrome. Identifiers: Orphanet 2332, MedGen C0220687, MONDO:0007846, OMIM 148050.

Allele frequency attached by ClinVar (database versions not stated): 1000 Genomes Project 30x 0.00125; 1000 Genomes Project 0.00140; ESP Exome Variant Server 0.00239; gnomAD exomes 0.00245 and 0.00276; ExAC 0.00248; TOPMed 0.00253; gnomAD 0.00270 and 0.00285.
gnomAD v4.1: 4,416 of 1,614,078 alleles (0.27%); highest among the groups gnomAD compares: Non-Finnish European, 0.33%; 18 homozygotes.

Submissions (9):

CeGaT Center for Human Genetics Tuebingen
Classification: Benign. Last evaluated: 2026-09-01. Review status: criteria provided, single submitter. Criteria: CeGaT Center For Human Genetics Tuebingen Variant Classification Criteria Version 2. Collection method: clinical testing. Allele origin: germline. Affected: yes. Observed: 51 variant alleles.
Comment: ANKRD11: BP4, BP7, BS1, BS2

Labcorp Genetics (formerly Invitae), Labcorp
Classification: Benign for KBG syndrome. Last evaluated: 2026-01-18. Review status: criteria provided, single submitter. Criteria: Invitae Variant Classification Sherloc (09022015). Collection method: clinical testing. Allele origin: germline.

Blueprint Genetics
Classification: Likely benign. Last evaluated: 2024-11-22. Review status: criteria provided, single submitter. Criteria: ACMG Guidelines, 2015. Collection method: clinical testing. Allele origin: germline.

Genome-Nilou Lab
Classification: Benign for KBG syndrome. Last evaluated: 2021-12-05. Review status: criteria provided, single submitter. Criteria: ACMG Guidelines, 2015. Collection method: clinical testing. Allele origin: germline. Affected: no.

GeneDx
Classification: Benign. Last evaluated: 2020-01-13. Review status: criteria provided, single submitter. Criteria: GeneDx Variant Classification Process June 2021. Collection method: clinical testing. Allele origin: germline. Affected: yes.

Genetic Services Laboratory, University of Chicago
Classification: Benign. Last evaluated: 2019-07-18. Review status: criteria provided, single submitter. Criteria: ACMG Guidelines, 2015. Collection method: clinical testing. Allele origin: germline. Affected: no.

Ambry Genetics
Classification: Likely benign for Inborn genetic diseases. Last evaluated: 2016-11-21. Review status: criteria provided, single submitter. Criteria: Ambry Variant Classification Scheme 2023. Collection method: clinical testing. Allele origin: germline.

Breakthrough Genomics
Classification: Likely benign. Review status: criteria provided, single submitter. Criteria: ACMG Guidelines, 2015. Collection method: not provided. Allele origin: germline. Inheritance: Autosomal dominant inheritance. Affected: yes.

PreventionGenetics, part of Exact Sciences
Classification: Benign for ANKRD11-related condition. Last evaluated: 2019-08-30. Review status: no assertion criteria provided. Collection method: clinical testing. Allele origin: germline. Not counted in ClinVar's aggregate classification.
Comment: This variant is classified as benign based on ACMG/AMP sequence variant interpretation guidelines (Richards et al. 2015 PMID: 25741868, with internal and published modifications).